The following is an entry in ClinVar:

ClinVar aggregate classification (germline): Likely benign. Review status: criteria provided, single submitter (1 of 4 stars). 2 submissions from 2 submitters: Likely benign (1). 1 of the submissions does not count toward it. Last evaluated 2026-02-01.

Conditions:
PCNT-related disorder. Also called: PCNT-related condition.

Submissions (2):

Labcorp Genetics (formerly Invitae), Labcorp
Classification: Likely benign. Last evaluated: 2026-02-01. Review status: criteria provided, single submitter. Criteria: Invitae Variant Classification Sherloc (09022015). Collection method: clinical testing. Allele origin: germline.

PreventionGenetics, part of Exact Sciences
Classification: Likely benign for PCNT-related condition. Last evaluated: 2021-08-13. Review status: no assertion criteria provided. Collection method: clinical testing. Allele origin: germline. Not counted in ClinVar's aggregate classification.
Comment: This variant is classified as likely benign based on ACMG/AMP sequence variant interpretation guidelines (Richards et al. 2015 PMID: 25741868, with internal and published modifications).

NM_006031.6(PCNT):c.519_520insGTCAGTGACCACCCACCGGAACAGCGTGGGATGTTCACA (p.Val161_Thr173dup)

Gene: PCNT (pericentrin; plus strand). Cytogenetic location: 21q22.3.
Variant type: Insertion.
Coding change: c.519_520insGTCAGTGACCACCCACCGGAACAGCGTGGGATGTTCACA on transcript NM_006031.6 (MANE Select); coding-DNA positions 519 to 520, GTCAGTGACCACCCACCGGAACAGCGTGGGATGTTCACA inserted.
Protein change: p.Val161_Thr173dup.
Molecular consequence: inframe insertion.
Genome position: GRCh38: chr21:46,334,648-46,334,649. GRCh37 (hg19): chr21:47,754,562-47,754,563.
Other names: c.165_166insGTCAGTGACCACCCACCGGAACAGCGTGGGATGTTCACA, p.Val43_Thr55dup (NM_001315529.2).
Identifiers: ClinVar variation 786692 (VCV000786692.11), dbSNP rs769893798, ClinGen allele CA10078278.